The following is an entry in ClinVar:

NM_032229.3(SLITRK6):c.2419C>T (p.Arg807Cys)

Gene: SLITRK6 (SLIT and NTRK like family member 6; minus strand). Cytogenetic location: 13q31.1.
Variant type: single nucleotide variant.
Coding change: c.2419C>T on transcript NM_032229.3 (MANE Select); coding-DNA position 2419, C replaced by T.
Protein change: p.Arg807Cys; replaces arginine 807 with cysteine.
Molecular consequence: missense variant.
Genome position (GRCh38, 1-based): chr13:85,794,090, G>A on the plus strand (C>T on the coding strand, the complement: SLITRK6 is on the minus strand). VCF-style: chr13-85794090-G-A. GRCh37 (hg19) VCF-style: chr13-86368225-G-A.
Other names: p.Arg807Cys; short protein forms R807C.
Identifiers: ClinVar variation 784528 (VCV000784528.15), dbSNP rs201935443, ClinGen allele CA7014900.
Genomic context (GRCh38, chr13:85,794,090, plus strand): 5'-AATTAGCTTTAAGTTCAAAATACTCATTTTTTGTCTGTTCCACTAATACCTTCCTTGGAC[G>A]TGAGTACATTAATGTTTCCATTAACTTCAGCTCTTCGTGGGCTCCAGGATAATGTGCCTC-3'
Protein context (NP_115605.2, residues 797-817): LKLMETLMYS[Arg807Cys]PRKVLVEQTK

ClinVar aggregate classification (germline): Conflicting classifications of pathogenicity. Review status: criteria provided, conflicting classifications (1 of 4 stars). 5 submissions from 5 submitters: Uncertain significance (1); Likely benign (3). 1 of the submissions does not count toward it. Last evaluated 2025-03-07.

Conditions:
SLITRK6-related disorder. Also called: SLITRK6-related condition.

Allele frequency attached by ClinVar (database versions not stated): gnomAD exomes 0.00009 and 0.00043; gnomAD 0.00014 and 0.00015; 1000 Genomes Project 30x 0.00016; 1000 Genomes Project 0.00020; TOPMed 0.00021; ExAC 0.00030.

Submissions (5):

Labcorp Genetics (formerly Invitae), Labcorp
Classification: Likely benign. Last evaluated: 2025-03-07. Review status: criteria provided, single submitter. Criteria: Invitae Variant Classification Sherloc (09022015). Collection method: clinical testing. Allele origin: germline.

Mayo Clinic Laboratories, Mayo Clinic
Classification: Uncertain significance. Last evaluated: 2025-02-06. Review status: criteria provided, single submitter. Criteria: ACMG Guidelines, 2015. Collection method: clinical testing. Allele origin: germline. Observed: 1 variant allele.
Comment: BS1_supporting

Blueprint Genetics
Classification: Likely benign. Last evaluated: 2024-11-08. Review status: criteria provided, single submitter. Criteria: ACMG Guidelines, 2015. Collection method: clinical testing. Allele origin: germline.

GeneDx
Classification: Likely benign. Last evaluated: 2021-06-08. Review status: criteria provided, single submitter. Criteria: GeneDx Variant Classification Process June 2021. Collection method: clinical testing. Allele origin: germline. Affected: yes.

PreventionGenetics, part of Exact Sciences
Classification: Likely benign for SLITRK6-related condition. Last evaluated: 2022-09-15. Review status: no assertion criteria provided. Collection method: clinical testing. Allele origin: germline. Not counted in ClinVar's aggregate classification.
Comment: This variant is classified as likely benign based on ACMG/AMP sequence variant interpretation guidelines (Richards et al. 2015 PMID: 25741868, with internal and published modifications).